The following is an entry in ClinVar:

ClinVar aggregate classification (germline): Uncertain significance. Review status: criteria provided, multiple submitters, no conflicts (2 of 4 stars). 2 submissions from 2 submitters: Uncertain significance (2). Last evaluated 2025-01-31.

Conditions:
Familial sleep-related hypermotor epilepsy. Also called: Autosomal Dominant Sleep-Related Hypermotor (Hyperkinetic) Epilepsy. Identifiers: Orphanet 98784, MedGen C3696898, MONDO:0000030.

Allele frequency attached by ClinVar (database versions not stated): ExAC 0.00001; gnomAD 0.00001; TOPMed below 0.00001; gnomAD exomes below 0.00001.
gnomAD v4.1: 6 of 1,614,042 alleles (0.00037%); highest among the groups gnomAD compares: East Asian, 0.0022%; no homozygotes.

Submissions (2):

GeneDx
Classification: Uncertain significance. Last evaluated: 2025-01-31. Review status: criteria provided, single submitter. Criteria: GeneDx Variant Classification Process June 2021. Collection method: clinical testing. Allele origin: germline. Affected: yes.
Comment: Not observed at significant frequency in large population cohorts (gnomAD); Has not been previously published as pathogenic or benign to our knowledge; Nonsense variant predicted to result in protein truncation as the last 23 amino acid(s) are lost with an unclear effect on protein function

Labcorp Genetics (formerly Invitae), Labcorp
Classification: Uncertain significance. Last evaluated: 2023-09-22. Review status: criteria provided, single submitter. Criteria: Invitae Variant Classification Sherloc (09022015). Collection method: clinical testing. Allele origin: germline.
Comment: In summary, the available evidence is currently insufficient to determine the role of this variant in disease. Therefore, it has been classified as a Variant of Uncertain Significance. Algorithms developed to predict the effect of sequence changes on RNA splicing suggest that this variant may disrupt the consensus splice site. This variant has not been reported in the literature in individuals affected with CHRNB2-related conditions. This variant is present in population databases (rs752248053, gnomAD 0.0009%). This sequence change creates a premature translational stop signal (p.Gln480*) in the CHRNB2 gene. While this is not anticipated to result in nonsense mediated decay, it is expected to disrupt the last 23 amino acid(s) of the CHRNB2 protein.

NM_000748.3(CHRNB2):c.1438C>T (p.Gln480Ter)

Gene: CHRNB2 (cholinergic receptor nicotinic beta 2 subunit; plus strand). Cytogenetic location: 1q21.3.
Variant type: single nucleotide variant.
Coding change: c.1438C>T on transcript NM_000748.3 (MANE Select); coding-DNA position 1438, C replaced by T.
Protein change: p.Gln480Ter; replaces glutamine 480 with a stop codon.
Molecular consequence: nonsense.
Genome position (GRCh38, 1-based): chr1:154,575,861, C>T. VCF-style: chr1-154575861-C-T. GRCh37 (hg19) VCF-style: chr1-154548337-C-T.
Other names: c.1438C>T (NM_000748.2); short protein forms Q480*.
Identifiers: ClinVar variation 2880003 (VCV002880003.4), dbSNP rs752248053, ClinGen allele CA1130885.